The following is an entry in ClinVar:

ClinVar aggregate classification (germline): Uncertain significance (1 of 4 stars; one submission).

Allele frequency attached by ClinVar (database versions not stated): TOPMed below 0.00001.

Submissions (2):

GeneDx
Classification: Uncertain significance. Last evaluated: 2020-05-12. Review status: criteria provided, single submitter. Criteria: GeneDx Variant Classification Process June 2021. Collection method: clinical testing. Allele origin: germline. Affected: yes.
Comment: Has not been previously published as pathogenic or benign to our knowledge; Not observed in large population cohorts (Lek et al., 2016); In silico analysis supports that this missense variant has a deleterious effect on protein structure/function

Dr. Peter K. Rogan Lab, Western University
No classification provided (evidence only). Condition: Thyroid cancer, nonmedullary, 1. Review status: no classification provided. Collection method: in vitro. Allele origin: not applicable. Functional consequence: retained intron. Not counted in ClinVar's aggregate classification.

NM_014467.3(SRPX2):c.1016A>G (p.Tyr339Cys)

Gene: SRPX2 (sushi repeat containing protein X-linked 2; plus strand). Cytogenetic location: Xq22.1.
Variant type: single nucleotide variant.
Coding change: c.1016A>G on transcript NM_014467.3 (MANE Select); coding-DNA position 1016, A replaced by G.
Protein change: p.Tyr339Cys; replaces tyrosine 339 with cysteine.
Molecular consequence: missense variant.
Genome position (GRCh38, 1-based): chrX:100,667,328, A>G. VCF-style: chrX-100667328-A-G. GRCh37 (hg19) VCF-style: chrX-99922325-A-G.
Other names: NC_000023.10:g.99922325A>G; short protein forms Y339C.
Identifiers: ClinVar variation 1205719 (VCV001205719.4), dbSNP rs2083207962, ClinGen allele CA413913245.